The following is an entry in ClinVar:

NM_000535.7(PMS2):c.2478G>A (p.Glu826=)

Gene: PMS2 (PMS1 homolog 2, mismatch repair system component; minus strand). Cytogenetic location: 7p22.1.
Variant type: single nucleotide variant.
Coding change: c.2478G>A on transcript NM_000535.7 (MANE Select); coding-DNA position 2478, G replaced by A.
Protein change: p.Glu826=; no amino-acid change (glutamic acid 826 retained).
Molecular consequence: synonymous variant. On other transcripts: non-coding transcript variant (1).
Genome position (GRCh38, 1-based): chr7:5,973,510, C>T on the plus strand (G>A on the coding strand, the complement: PMS2 is on the minus strand). VCF-style: chr7-5973510-C-T. GRCh37 (hg19) VCF-style: chr7-6013141-C-T.
Other names: c.2073G>A, p.Glu691= (NM_001322003.2, NM_001322004.2, NM_001322005.2); c.2322G>A, p.Glu774= (NM_001322006.2); c.2160G>A, p.Glu720= (NM_001322007.2, NM_001322008.2); c.2106G>A, p.Glu702= (NM_001322009.2); c.1917G>A, p.Glu639= (NM_001322010.2); c.1545G>A, p.Glu515= (NM_001322011.2, NM_001322012.2); c.1905G>A, p.Glu635= (NM_001322013.2); c.2511G>A, p.Glu837= (NM_001322014.2); and 1 more.
Identifiers: ClinVar variation 1132540 (VCV001132540.12), dbSNP rs1562594255, ClinGen allele CA453642142.
Genomic context (GRCh38, chr7:5,973,510, plus strand): 5'-TCCATGGGGACAGTTCCAGGGGTGGTCCATCTCCCCCATGTGGGTGATCAGTTTCTTCAT[C>T]TCGCTTGTGTTAAGAGCAGTCCCAATCATCACCTGAGTGTGAGACACAATGGTTCAACGT-3'
Protein context (NP_000526.2, residues 816-836): VMIGTALNTS[Glu826=]MKKLITHMGE

ClinVar aggregate classification (germline): Benign/Likely benign. Review status: criteria provided, multiple submitters, no conflicts (2 of 4 stars). 3 submissions from 3 submitters: Benign (1); Likely benign (2). Last evaluated 2025-02-04.

Conditions:
Hereditary nonpolyposis colorectal neoplasms. Identifiers: MedGen C0009405, MeSH D003123.
Hereditary cancer-predisposing syndrome. Also called: Neoplastic Syndromes, Hereditary; Hereditary Cancer Syndrome; Tumor predisposition; Hereditary neoplastic syndrome. Identifiers: Orphanet 140162, MedGen C0027672, MeSH D009386, MONDO:0015356.
Lynch syndrome 4 (LYNCH4). Also called: Colorectal cancer, hereditary nonpolyposis, type 4; Hereditary non-polyposis colorectal cancer, type 4. Identifiers: Orphanet 144, MedGen C1838333, MONDO:0013699, OMIM 614337. Disease mechanism: loss of function.

Submissions (3):

Myriad Genetics, Inc.
Classification: Benign for Lynch syndrome 4. Last evaluated: 2025-02-04. Review status: criteria provided, single submitter. Criteria: Myriad Autosomal Dominant, Autosomal Recessive and X-Linked Classification Criteria (2023). Collection method: clinical testing. Allele origin: unknown.
Comment: This variant is considered benign. This variant is a silent/synonymous amino acid change and it is not expected to impact splicing.

Labcorp Genetics (formerly Invitae), Labcorp
Classification: Likely benign for Hereditary nonpolyposis colorectal neoplasms. Last evaluated: 2024-10-30. Review status: criteria provided, single submitter. Criteria: Invitae Variant Classification Sherloc (09022015). Collection method: clinical testing. Allele origin: germline.

Ambry Genetics
Classification: Likely benign for Hereditary cancer-predisposing syndrome. Last evaluated: 2020-03-13. Review status: criteria provided, single submitter. Criteria: Ambry Variant Classification Scheme 2023. Collection method: clinical testing. Allele origin: germline.